The following is an entry in ClinVar:

NM_001197104.2(KMT2A):c.343G>C (p.Ala115Pro)

Gene: KMT2A (lysine methyltransferase 2A; plus strand). Cytogenetic location: 11q23.3.
Variant type: single nucleotide variant.
Coding change: c.343G>C on transcript NM_001197104.2 (MANE Select); coding-DNA position 343, G replaced by C.
Protein change: p.Ala115Pro; replaces alanine 115 with proline.
Molecular consequence: missense variant.
Genome position (GRCh38, 1-based): chr11:118,436,855, G>C. VCF-style: chr11-118436855-G-C. GRCh37 (hg19) VCF-style: chr11-118307570-G-C.
Other names: c.343G>C, p.Ala115Pro (NM_001412597.1, NM_005933.4); short protein forms A115P.
Identifiers: ClinVar variation 3898581 (VCV003898581.7).

ClinVar aggregate classification (germline): Uncertain significance (1 of 4 stars; one submission).

Submission:

CeGaT Center for Human Genetics Tuebingen
Classification: Uncertain significance. Last evaluated: 2025-04-01. Review status: criteria provided, single submitter. Criteria: CeGaT Center For Human Genetics Tuebingen Variant Classification Criteria Version 2. Collection method: clinical testing. Allele origin: germline. Affected: yes. Observed: 1 variant allele.
Comment: KMT2A: PM2, PP2, PP3